The following is an entry in ClinVar:

NM_014053.4(FLVCR1):c.585GCA[2] (p.Gln197del)

Gene: FLVCR1 (FLVCR choline and heme transporter 1; plus strand). Cytogenetic location: 1q32.3.
Variant type: Microsatellite.
Coding change: c.585GCA[2] on transcript NM_014053.4 (MANE Select); two copies in a row of the 3-base unit GCA starting at c.585; the reference has three copies in a row; one copy, 3 bases deleted.
Protein change: p.Gln197del; deletes glutamine 197.
Molecular consequence: inframe deletion.
Genome position (GRCh38, 1-based): chr1:212,859,043-212,859,045, GCA deleted; deleting any 3 consecutive bases within chr1:212,859,037-212,859,045 gives the same sequence; the position shown is the placement nearest the transcript's 3' end. VCF-style (leftmost placement, unchanged base first): chr1-212859036-TGCA-T. GRCh37 (hg19) VCF-style: chr1-213032378-TGCA-T.
Other names: short protein forms Q197del.
Identifiers: ClinVar variation 2684196 (VCV002684196.2), dbSNP rs1393565330, ClinGen allele CA529001423.

ClinVar aggregate classification (germline): Uncertain significance. Review status: criteria provided, multiple submitters, no conflicts (2 of 4 stars). 2 submissions from 2 submitters: Uncertain significance (2). Last evaluated 2022-10-18.

Submissions (2):

Athena Diagnostics
Classification: Uncertain significance. Last evaluated: 2022-10-18. Review status: criteria provided, single submitter. Criteria: Athena Diagnostics Criteria. Collection method: clinical testing. Allele origin: unknown.
Comment: Available data are insufficient to determine the clinical significance of the variant at this time. The frequency of this variant in the general population is uninformative in assessment of its pathogenicity. Computational tools yielded predictions that this variant is unlikely to have an effect on normal RNA splicing.

Blueprint Genetics
Classification: Uncertain significance. Last evaluated: 2022-09-05. Review status: criteria provided, single submitter. Criteria: ACMG Guidelines, 2015. Collection method: clinical testing. Allele origin: germline.